The following is an entry in ClinVar:

ClinVar aggregate classification (germline): Pathogenic (1 of 4 stars; one submission).

Submission:

Labcorp Genetics (formerly Invitae), Labcorp
Classification: Pathogenic. Last evaluated: 2022-08-09. Review status: criteria provided, single submitter. Criteria: Invitae Variant Classification Sherloc (09022015). Collection method: clinical testing. Allele origin: germline.
Comment: This variant is not present in population databases (gnomAD no frequency). This variant has not been reported in the literature in individuals affected with CYP11B1-related conditions. For these reasons, this variant has been classified as Pathogenic. This sequence change creates a premature translational stop signal (p.Ile274Thrfs*22) in the CYP11B1 gene. It is expected to result in an absent or disrupted protein product. Loss-of-function variants in CYP11B1 are known to be pathogenic (PMID: 8506298, 26476331).

Literature cited by the submitters: PubMed 8506298; PubMed 26476331.

NM_000497.4(CYP11B1):c.821del (p.Ile274fs)

Genes: CYP11B1 (cytochrome P450 family 11 subfamily B member 1; minus strand), LOC106799833 (CYP11B1 recombination region; plus strand). Cytogenetic location: 8q24.3.
Variant type: Deletion.
Coding change: c.821del on transcript NM_000497.4 (MANE Select); coding-DNA position 821, one base deleted (T; older notation c.821delT).
Protein change: p.Ile274fs; shifts the reading frame from isoleucine 274.
Molecular consequence: frameshift variant.
Genome position (GRCh38, 1-based): chr8:142,876,374, A deleted on the plus strand (T on the coding strand, the reverse complement: CYP11B1 is on the minus strand). VCF-style (leftmost placement, unchanged base first): chr8-142876373-GA-G. GRCh37 (hg19) VCF-style: chr8-143957789-GA-G.
Other names: c.821del, p.Ile274fs (NM_001026213.1); short protein forms I274fs.
Identifiers: ClinVar variation 2023183 (VCV002023183.4), dbSNP rs2488677579, ClinGen allele CA2580078658.